The following is an entry in ClinVar:

ClinVar aggregate classification (germline): Likely benign (1 of 4 stars; one submission).

Allele frequency attached by ClinVar (database versions not stated): ExAC 0.00019; gnomAD 0.00020; TOPMed 0.00021; gnomAD exomes 0.00023; ESP Exome Variant Server 0.00032.
gnomAD v4.1: 358 of 1,614,040 alleles (0.022%); highest among the groups gnomAD compares: Middle Eastern, 0.066%; no homozygotes.

Submission:

CeGaT Center for Human Genetics Tuebingen
Classification: Likely benign. Last evaluated: 2022-12-01. Review status: criteria provided, single submitter. Criteria: CeGaT Center For Human Genetics Tuebingen Variant Classification Criteria Version 2. Collection method: clinical testing. Allele origin: germline. Affected: yes. Observed: 1 variant allele.
Comment: ATP2C2: BP4

NM_014861.4(ATP2C2):c.1930-3C>T

Gene: ATP2C2 (ATPase secretory pathway Ca2+ transporting 2; plus strand). Cytogenetic location: 16q24.1.
Variant type: single nucleotide variant.
Coding change: c.1930-3C>T on transcript NM_014861.4 (MANE Select); 3 bases into the intron before coding-DNA position 1930, C replaced by T.
Molecular consequence: intron variant.
Genome position (GRCh38, 1-based): chr16:84,453,318, C>T. VCF-style: chr16-84453318-C-T. GRCh37 (hg19) VCF-style: chr16-84486924-C-T.
Other names: c.1930-3C>T (NM_001286527.3); c.1477-3C>T (NM_001291454.2).
Identifiers: ClinVar variation 2646921 (VCV002646921.24), dbSNP rs201923447, ClinGen allele CA8207765.
Genomic context (GRCh38, chr16:84,453,318, plus strand): 5'-GGCAGTGGGGCTGGGTCACAGCTTTGAAATCTGATTCTTCGTCTTCCCCGTCTCCGTGTC[C>T]AGGTGTCCGTGTTCTTCAGGACCAGCCCAAAGCACAAGCTCAAAATCATCAAGGTTCGCT-3'